The following is an entry in ClinVar:

ClinVar aggregate classification (germline): Likely pathogenic (1 of 4 stars; one submission).

Conditions:
Inborn genetic diseases. Identifiers: MedGen C0950123, MeSH D030342.

Submission:

Ambry Genetics
Classification: Likely pathogenic for Inborn genetic diseases. Last evaluated: 2022-03-21. Review status: criteria provided, single submitter. Criteria: Ambry Variant Classification Scheme 2023. Collection method: clinical testing. Allele origin: germline.
Comment: The c.623_624delAT (p.Y208*) alteration, located in coding exon 6 of the SLC25A42 gene, consists of a deletion of 2 nucleotides from position 623 to 624. This changes the amino acid from a tyrosine (Y) to a stop codon at amino acid position 208. This alteration is expected to result in loss of function by premature protein truncation or nonsense-mediated mRNA decay. This variant was not reported in population-based cohorts in the Genome Aggregation Database (gnomAD). Based on the available evidence, this alteration is classified as likely pathogenic.

NM_178526.5(SLC25A42):c.623_624del (p.Thr207_Tyr208insTer)

Gene: SLC25A42 (solute carrier family 25 member 42; plus strand). Cytogenetic location: 19p13.11.
Variant type: Deletion.
Coding change: c.623_624del on transcript NM_178526.5 (MANE Select); coding-DNA positions 623 to 624, 2 bases deleted (AT; older notation c.623_624delAT).
Protein change: p.Thr207_Tyr208insTer.
Molecular consequence: nonsense.
Genome position (GRCh38, 1-based): chr19:19,108,019-19,108,020, AT deleted; deleting any 2 consecutive bases within chr19:19,108,018-19,108,020 gives the same sequence; the c. name uses the placement nearest the transcript's 3' end. VCF-style (leftmost placement, unchanged base first): chr19-19108017-CTA-C. GRCh37 (hg19) VCF-style: chr19-19218826-CTA-C.
Other names: c.623_624del, p.Thr207_Tyr208insTer (NM_001321544.2).
Identifiers: ClinVar variation 2276907 (VCV002276907.2), dbSNP rs2514112962, ClinGen allele CA2576728544.